The following is an entry in ClinVar:

ClinVar aggregate classification (germline): Uncertain significance. Review status: criteria provided, multiple submitters, no conflicts (2 of 4 stars). 2 submissions from 2 submitters: Uncertain significance (2). Last evaluated 2024-03-04.

Conditions:
Noonan syndrome 9 (NS9). Identifiers: Orphanet 648, MedGen C4225282, MONDO:0014691, OMIM 616559.

Submissions (2):

Women's Health and Genetics/Laboratory Corporation of America, LabCorp
Classification: Uncertain significance. Last evaluated: 2024-03-04. Review status: criteria provided, single submitter. Criteria: LabCorp Variant Classification Summary - May 2015. Collection method: clinical testing. Allele origin: germline.
Comment: Variant summary: SOS2 c.2954T>C (p.Met985Thr) results in a non-conservative amino acid change located in the Ras guanine-nucleotide exchange factors catalytic domain (IPR001895) of the encoded protein sequence. Three of five in-silico tools predict a damaging effect of the variant on protein function. The variant was absent in 191880 control chromosomes. The available data on variant occurrences in the general population are insufficient to allow any conclusion about variant significance. To our knowledge, no occurrence of c.2954T>C in individuals affected with Noonan Syndrome and no experimental evidence demonstrating its impact on protein function have been reported. ClinVar contains an entry for this variant (Variation ID: 1469933). Based on the evidence outlined above, the variant was classified as uncertain significance.

Labcorp Genetics (formerly Invitae), Labcorp
Classification: Uncertain significance for Noonan syndrome 9. Last evaluated: 2022-06-10. Review status: criteria provided, single submitter. Criteria: Invitae Variant Classification Sherloc (09022015). Collection method: clinical testing. Allele origin: germline.
Comment: In summary, the available evidence is currently insufficient to determine the role of this variant in disease. Therefore, it has been classified as a Variant of Uncertain Significance. Advanced modeling of protein sequence and biophysical properties (such as structural, functional, and spatial information, amino acid conservation, physicochemical variation, residue mobility, and thermodynamic stability) performed at Invitae indicates that this missense variant is not expected to disrupt SOS2 protein function. This variant has not been reported in the literature in individuals affected with SOS2-related conditions. This variant is not present in population databases (gnomAD no frequency). This sequence change replaces methionine, which is neutral and non-polar, with threonine, which is neutral and polar, at codon 985 of the SOS2 protein (p.Met985Thr).

NM_006939.4(SOS2):c.2954T>C (p.Met985Thr)

Gene: SOS2 (SOS Ras/Rho guanine nucleotide exchange factor 2; minus strand). Cytogenetic location: 14q21.3.
Variant type: single nucleotide variant.
Coding change: c.2954T>C on transcript NM_006939.4 (MANE Select); coding-DNA position 2954, T replaced by C.
Protein change: p.Met985Thr; replaces methionine 985 with threonine.
Molecular consequence: missense variant.
Genome position (GRCh38, 1-based): chr14:50,138,616, A>G on the plus strand (T>C on the coding strand, the complement: SOS2 is on the minus strand). VCF-style: chr14-50138616-A-G. GRCh37 (hg19) VCF-style: chr14-50605334-A-G.
Other names: short protein forms M985T.
Identifiers: ClinVar variation 1469933 (VCV001469933.8), dbSNP rs2139550560, ClinGen allele CA389642181.